The following is an entry in ClinVar:

ClinVar aggregate classification (germline): Uncertain significance. Review status: criteria provided, multiple submitters, no conflicts (2 of 4 stars). 2 submissions from 2 submitters: Uncertain significance (2). Last evaluated 2025-12-02.

Conditions:
Hereditary spherocytosis type 1. Also called: Spherocytosis type 1; ANK1-Related Spherocytosis. Identifiers: Orphanet 822, MedGen C2674218, MONDO:0008447, OMIM 182900.

Submissions (2):

Labcorp Genetics (formerly Invitae), Labcorp
Classification: Uncertain significance. Last evaluated: 2025-12-02. Review status: criteria provided, single submitter. Criteria: Invitae Variant Classification Sherloc (09022015). Collection method: clinical testing. Allele origin: germline.
Comment: This sequence change replaces proline, which is neutral and non-polar, with threonine, which is neutral and polar, at codon 1060 of the ANK1 protein (p.Pro1060Thr). This variant is not present in population databases (gnomAD no frequency). This missense change has been observed in individual(s) with hereditary spherocytosis (PMID: 37280519). ClinVar contains an entry for this variant (Variation ID: 2920875). Invitae Evidence Modeling of protein sequence and biophysical properties (such as structural, functional, and spatial information, amino acid conservation, physicochemical variation, residue mobility, and thermodynamic stability) has been performed for this missense variant. However, the output from this modeling did not meet the statistical confidence thresholds required to predict the impact of this variant on ANK1 protein function. This variant disrupts the p.Pro1060 amino acid residue in ANK1. Other variant(s) that disrupt this residue have been determined to be pathogenic (PMID: 31980736; internal data). This suggests that this residue is clinically significant, and that variants that disrupt this residue are likely to be disease-causing. In summary, the available evidence is currently insufficient to determine the role of this variant in disease. Therefore, it has been classified as a Variant of Uncertain Significance.

ARUP Laboratories, Molecular Genetics and Genomics, ARUP Laboratories
Classification: Uncertain significance for Hereditary spherocytosis type 1. Last evaluated: 2023-03-01. Review status: criteria provided, single submitter. Criteria: ARUP Molecular Germline Variant Investigation Process 2024. Collection method: clinical testing. Allele origin: germline.

Literature cited by the submitters: PubMed 37280519 (cited by Labcorp Genetics (formerly Invitae), Labcorp); PubMed 31980736 (cited by Labcorp Genetics (formerly Invitae), Labcorp).

NM_000037.4(ANK1):c.3178C>A (p.Pro1060Thr)

Gene: ANK1 (ankyrin 1; minus strand). Cytogenetic location: 8p11.21.
Variant type: single nucleotide variant.
Coding change: c.3178C>A on transcript NM_000037.4 (MANE Select); coding-DNA position 3178, C replaced by A.
Protein change: p.Pro1060Thr; replaces proline 1060 with threonine.
Molecular consequence: missense variant.
Genome position (GRCh38, 1-based): chr8:41,694,741, G>T on the plus strand (C>A on the coding strand, the complement: ANK1 is on the minus strand). VCF-style: chr8-41694741-G-T. GRCh37 (hg19) VCF-style: chr8-41552259-G-T.
Other names: c.3301C>A, p.Pro1101Thr (NM_001142446.2); c.3178C>A, p.Pro1060Thr (NM_020475.3, NM_020476.3, NM_020477.3); short protein forms P1101T, P1060T.
Identifiers: ClinVar variation 2920875 (VCV002920875.2), dbSNP rs2486773252, ClinGen allele CA371060668.